The following is an entry in ClinVar:

NM_001110556.2(FLNA):c.6330G>T (p.Glu2110Asp)

Gene: FLNA (filamin A; minus strand). Cytogenetic location: Xq28.
Variant type: single nucleotide variant.
Coding change: c.6330G>T on transcript NM_001110556.2 (MANE Select); coding-DNA position 6330, G replaced by T.
Protein change: p.Glu2110Asp; replaces glutamic acid 2110 with aspartic acid.
Molecular consequence: missense variant.
Genome position (GRCh38, 1-based): chrX:154,352,821, C>A on the plus strand (G>T on the coding strand, the complement: FLNA is on the minus strand). VCF-style: chrX-154352821-C-A. GRCh37 (hg19) VCF-style: chrX-153581189-C-A.
Other names: c.6306G>T, p.Glu2102Asp (NM_001456.4); short protein forms E2102D, E2110D.
Identifiers: ClinVar variation 3252400 (VCV003252400.1), dbSNP rs2522722225.

ClinVar aggregate classification (germline): Uncertain significance (1 of 4 stars; one submission).

Submission:

GeneDx
Classification: Uncertain significance. Last evaluated: 2023-12-08. Review status: criteria provided, single submitter. Criteria: GeneDx Variant Classification Process June 2021. Collection method: clinical testing. Allele origin: germline. Affected: yes.
Comment: Not observed at significant frequency in large population cohorts (gnomAD); In silico analysis supports that this missense variant has a deleterious effect on protein structure/function; In silico analysis suggests this variant may impact gene splicing. In the absence of RNA/functional studies, the actual effect of this sequence change is unknown.; Has not been previously published as pathogenic or benign to our knowledge